The following is an entry in ClinVar:

ClinVar aggregate classification (germline): Uncertain significance (1 of 4 stars; one submission).

Conditions:
Developmental and epileptic encephalopathy, 11 (DEE11). Also called: Early infantile epileptic encephalopathy 11. Identifiers: Orphanet 1934, MedGen C3150987, MONDO:0013388, OMIM 613721.
Seizures, benign familial infantile, 3 (BFIS3). Also called: Familial neonatal seizures; CONVULSIONS, BENIGN FAMILIAL INFANTILE, 3. Identifiers: Orphanet 140927, Orphanet 306, MedGen C1843140, MONDO:0011904, OMIM 607745.

Submission:

Labcorp Genetics (formerly Invitae), Labcorp
Classification: Uncertain significance for Seizures, benign familial infantile, 3; Developmental and epileptic encephalopathy, 11. Last evaluated: 2024-01-25. Review status: criteria provided, single submitter. Criteria: Invitae Variant Classification Sherloc (09022015). Collection method: clinical testing. Allele origin: germline.
Comment: This sequence change replaces arginine, which is basic and polar, with proline, which is neutral and non-polar, at codon 1647 of the SCN2A protein (p.Arg1647Pro). This variant is not present in population databases (gnomAD no frequency). This variant has not been reported in the literature in individuals affected with SCN2A-related conditions. Advanced modeling of protein sequence and biophysical properties (such as structural, functional, and spatial information, amino acid conservation, physicochemical variation, residue mobility, and thermodynamic stability) performed at Invitae indicates that this missense variant is expected to disrupt SCN2A protein function with a positive predictive value of 95%. In summary, the available evidence is currently insufficient to determine the role of this variant in disease. Therefore, it has been classified as a Variant of Uncertain Significance.

NM_001040142.2(SCN2A):c.4940G>C (p.Arg1647Pro)

Gene: SCN2A (sodium voltage-gated channel alpha subunit 2; plus strand). Cytogenetic location: 2q24.3.
Variant type: single nucleotide variant.
Coding change: c.4940G>C on transcript NM_001040142.2 (MANE Select); coding-DNA position 4940, G replaced by C.
Protein change: p.Arg1647Pro; replaces arginine 1647 with proline.
Molecular consequence: missense variant.
Genome position (GRCh38, 1-based): chr2:165,388,746, G>C. VCF-style: chr2-165388746-G-C. GRCh37 (hg19) VCF-style: chr2-166245256-G-C.
Other names: c.4940G>C, p.Arg1647Pro (NM_001040143.2, NM_001371246.1, NM_001371247.1 and 1 more transcripts); short protein forms R1647P.
Identifiers: ClinVar variation 2922426 (VCV002922426.3), dbSNP rs797044927, ClinGen allele CA349037834.
Genomic context (GRCh38, chr2:165,388,746, plus strand): 5'-TGATCCGTCTTGCCAGGATTGGCCGAATCCTACGTCTGATCAAAGGAGCAAAGGGGATCC[G>C]CACGCTGCTCTTTGCTTTGATGATGTCCCTTCCTGCGTTGTTTAACATCGGCCTCCTTCT-3'
Protein context (NP_001035232.1, residues 1637-1657): LRLIKGAKGI[Arg1647Pro]TLLFALMMSL